The following is an entry in ClinVar:

NM_000238.4(KCNH2):c.222_223del (p.Gln75fs)

Gene: KCNH2 (potassium voltage-gated channel subfamily H member 2; minus strand). Cytogenetic location: 7q36.1.
Variant type: Deletion.
Coding change: c.222_223del on transcript NM_000238.4 (MANE Select); coding-DNA positions 222 to 223, 2 bases deleted (GC; older notation c.222_223delGC).
Protein change: p.Gln75fs; shifts the reading frame from glutamine 75.
Molecular consequence: frameshift variant. On other transcripts: non-coding transcript variant (1).
Genome position (GRCh38, 1-based): chr7:150,974,795-150,974,796, GC deleted on the plus strand (GC on the coding strand, the reverse complement: KCNH2 is on the minus strand); deleting any 2 consecutive bases within chr7:150,974,795-150,974,797 gives the same sequence; the c. name uses the placement nearest the transcript's 3' end. VCF-style (leftmost placement, unchanged base first): chr7-150974794-TGC-T. GRCh37 (hg19) VCF-style: chr7-150671882-TGC-T.
Other names: c.45_46del, p.Gln16fs (NM_001406755.1); c.222_223del, p.Gln75fs (NM_172056.3); short protein forms Q75fs, Q16fs.
Identifiers: ClinVar variation 3655448 (VCV003655448.2).

ClinVar aggregate classification (germline): Pathogenic (1 of 4 stars; one submission).

Conditions:
Long QT syndrome (LQTS). Identifiers: MedGen C0023976, MeSH D008133, MONDO:0002442. Disease mechanism: loss of function. Inheritance: Various modes of inheritance.

Submission:

Labcorp Genetics (formerly Invitae), Labcorp
Classification: Pathogenic for Long QT syndrome. Last evaluated: 2024-06-09. Review status: criteria provided, single submitter. Criteria: Invitae Variant Classification Sherloc (09022015). Collection method: clinical testing. Allele origin: germline.
Comment: This sequence change creates a premature translational stop signal (p.Gln75Alafs*69) in the KCNH2 gene. It is expected to result in an absent or disrupted protein product. Loss-of-function variants in KCNH2 are known to be pathogenic (PMID: 10973849, 19862833). This variant is not present in population databases (gnomAD no frequency). This variant has not been reported in the literature in individuals affected with KCNH2-related conditions. For these reasons, this variant has been classified as Pathogenic.

Literature cited by the submitters: PubMed 10973849; PubMed 19862833.